The following is an entry in ClinVar:

NM_001368894.2(PAX6):c.500C>G (p.Thr167Ser)

Gene: PAX6 (paired box 6; minus strand). Cytogenetic location: 11p13.
Variant type: single nucleotide variant.
Coding change: c.500C>G on transcript NM_001368894.2 (MANE Select); coding-DNA position 500, C replaced by G.
Protein change: p.Thr167Ser; replaces threonine 167 with serine.
Molecular consequence: missense variant. On other transcripts: non-coding transcript variant (2).
Genome position (GRCh38, 1-based): chr11:31,800,756, G>C on the plus strand (C>G on the coding strand, the complement: PAX6 is on the minus strand). VCF-style: chr11-31800756-G-C. GRCh37 (hg19) VCF-style: chr11-31822304-G-C.
Other names: c.458C>G, p.Thr153Ser (NM_000280.6, NM_001127612.3, NM_001258464.2 and 10 more transcripts); c.500C>G, p.Thr167Ser (NM_001258462.3, NM_001258463.2, NM_001310158.2 and 6 more transcripts); c.50C>G, p.Thr17Ser (NM_001310160.2, NM_001310161.3, NM_001368899.2 and 11 more transcripts); c.701C>G, p.Thr234Ser (NM_001368910.2); c.503C>G, p.Thr168Ser (NM_001368911.2); c.575C>G, p.Thr192Ser (NM_001368918.2, NM_001368919.2); c.533C>G, p.Thr178Ser (NM_001368920.2); c.299C>G, p.Thr100Ser (NM_001368921.2, NM_001368922.2, NM_001368923.2 and 4 more transcripts); and 1 more; short protein forms T100S, T17S, T168S, T178S, T234S, T167S, T153S, T192S.
Identifiers: ClinVar variation 4787853 (VCV004787853.1).

ClinVar aggregate classification (germline): Uncertain significance (1 of 4 stars; one submission).

Conditions:
Aniridia 1 (AN1). Identifiers: Orphanet 250923, MedGen C0344542, MONDO:0024507, OMIM 106210.
Irido-corneo-trabecular dysgenesis (ASGD5). Also called: ANTERIOR SEGMENT DYSGENESIS 5. Identifiers: Orphanet 708, MedGen C0344559, MONDO:0011414, OMIM 604229, HP:0000659.

Submission:

Labcorp Genetics (formerly Invitae), Labcorp
Classification: Uncertain significance for Aniridia 1; Irido-corneo-trabecular dysgenesis. Last evaluated: 2025-12-08. Review status: criteria provided, single submitter. Criteria: Invitae Variant Classification Sherloc (09022015). Collection method: clinical testing. Allele origin: germline.
Comment: This sequence change replaces threonine, which is neutral and polar, with serine, which is neutral and polar, at codon 153 of the PAX6 protein (p.Thr153Ser). This variant is present in population databases (rs751339399, gnomAD 0.004%). This variant has not been reported in the literature in individuals affected with PAX6-related conditions. Invitae Evidence Modeling of protein sequence and biophysical properties (such as structural, functional, and spatial information, amino acid conservation, physicochemical variation, residue mobility, and thermodynamic stability) indicates that this missense variant is not expected to disrupt PAX6 protein function with a negative predictive value of 95%. In summary, the available evidence is currently insufficient to determine the role of this variant in disease. Therefore, it has been classified as a Variant of Uncertain Significance.